The following is an entry in ClinVar:

NM_004415.4(DSP):c.4103C>T (p.Thr1368Ile)

Gene: DSP (desmoplakin; plus strand). Cytogenetic location: 6p24.3.
Variant type: single nucleotide variant.
Coding change: c.4103C>T on transcript NM_004415.4 (MANE Select); coding-DNA position 4103, C replaced by T.
Protein change: p.Thr1368Ile; replaces threonine 1368 with isoleucine.
Molecular consequence: missense variant. On other transcripts: intron variant (2).
Genome position (GRCh38, 1-based): chr6:7,580,293, C>T. VCF-style: chr6-7580293-C-T. GRCh37 (hg19) VCF-style: chr6-7580526-C-T.
Other names: c.4103C>T (LRG_423t1); c.4050+53C>T (NM_001319034.2); c.3582+521C>T (NM_001008844.3); short protein forms T1368I.
Identifiers: ClinVar variation 664645 (VCV000664645.21), dbSNP rs530481219, ClinGen allele CA133969277.

ClinVar aggregate classification (germline): Conflicting classifications of pathogenicity. Review status: criteria provided, conflicting classifications (1 of 4 stars). 5 submissions from 5 submitters: Uncertain significance (4); Likely benign (1). Last evaluated 2025-10-20.

Conditions:
Cardiomyopathy (CMYO). Also called: Cardiomyopathies. Identifiers: Orphanet 167848, MedGen C0878544, MONDO:0004994, HP:0001638. Inheritance: Various modes of inheritance.
Cardiovascular phenotype. Identifiers: MedGen CN230736.
Arrhythmogenic cardiomyopathy with wooly hair and keratoderma. Also called: Dilated cardiomyopathy with woolly hair and keratoderma; Carvajal syndrome; Arrhythmogenic cardiomyopathy with woolly hair and keratoderma; PALMOPLANTAR KERATODERMA WITH LEFT VENTRICULAR CARDIOMYOPATHY AND WOOLLY HAIR. Identifiers: Orphanet 65282, MedGen C1854063, MONDO:0011581, OMIM 605676.
Arrhythmogenic right ventricular dysplasia 8 (ARVD8). Also called: Arrhythmogenic Right Ventricular Dysplasia/Cardiomyopathy 8; ARRHYTHMOGENIC RIGHT VENTRICULAR DYSPLASIA, FAMILIAL, 8; ARRHYTHMOGENIC RIGHT VENTRICULAR CARDIOMYOPATHY 8. Identifiers: MedGen C1843896, MONDO:0011831, OMIM 607450.
Lethal acantholytic epidermolysis bullosa (EBLA). Identifiers: Orphanet 158687, MedGen C1864826, MONDO:0012323, OMIM 609638.
Woolly hair-skin fragility syndrome (WHSF). Identifiers: Orphanet 293165, MedGen C1843292, MONDO:0957307, OMIM 620415.
Keratosis palmoplantaris striata 2. Also called: KERATODERMA, PALMOPLANTAR, STRIATE FORM II; STRIATE PALMOPLANTAR KERATODERMA II; Keratosis palmoplantaris striata II. Identifiers: MedGen C1852127, MONDO:0013034, OMIM 612908.
Cardiomyopathy, dilated, with wooly hair, keratoderma, and tooth agenesis. Also called: Cardiomyopathy, dilated, with woolly hair, keratoderma, and tooth agenesis; Erythrokeratodermia-cardiomyopathy syndrome. Identifiers: Orphanet 476096, Orphanet 65282, MedGen C4014393, MONDO:0014355, OMIM 615821.

Allele frequency attached by ClinVar (database versions not stated): TOPMed below 0.00001; gnomAD 0.00001; gnomAD exomes 0.00001; 1000 Genomes Project 30x 0.00031; 1000 Genomes Project 0.00040.

Submissions (5):

Labcorp Genetics (formerly Invitae), Labcorp
Classification: Likely benign for Arrhythmogenic cardiomyopathy with wooly hair and keratoderma; Arrhythmogenic right ventricular dysplasia 8. Last evaluated: 2025-10-20. Review status: criteria provided, single submitter. Criteria: Invitae Variant Classification Sherloc (09022015). Collection method: clinical testing. Allele origin: germline.

Ambry Genetics
Classification: Uncertain significance for Cardiovascular phenotype. Last evaluated: 2025-08-12. Review status: criteria provided, single submitter. Criteria: Ambry Variant Classification Scheme 2023. Collection method: clinical testing. Allele origin: germline.

Blueprint Genetics
Classification: Uncertain significance. Last evaluated: 2024-10-10. Review status: criteria provided, single submitter. Criteria: ACMG Guidelines, 2015. Collection method: clinical testing. Allele origin: germline.

Color Diagnostics, LLC DBA Color Health
Classification: Uncertain significance for Cardiomyopathy. Last evaluated: 2023-11-08. Review status: criteria provided, single submitter. Criteria: ACMG Guidelines, 2015. Collection method: clinical testing. Allele origin: germline.
Comment: This missense variant replaces threonine with isoleucine at codon 1368 of the DSP protein. Computational prediction suggests that this variant may not impact protein structure and function (internally defined REVEL score threshold <= 0.5, PMID: 27666373). To our knowledge, functional studies have not been reported for this variant. This variant has not been reported in individuals affected with cardiovascular disorders in the literature. This variant has been identified in 2/250616 chromosomes in the general population by the Genome Aggregation Database (gnomAD). The available evidence is insufficient to determine the role of this variant in disease conclusively. Therefore, this variant is classified as a Variant of Uncertain Significance.

Fulgent Genetics
Classification: Uncertain significance for Arrhythmogenic cardiomyopathy with wooly hair and keratoderma; Arrhythmogenic right ventricular dysplasia 8; Lethal acantholytic epidermolysis bullosa; Keratosis palmoplantaris striata 2; Cardiomyopathy, dilated, with wooly hair, keratoderma, and tooth agenesis. Last evaluated: 2021-10-05. Review status: criteria provided, single submitter. Criteria: ACMG Guidelines, 2015. Collection method: clinical testing. Allele origin: unknown.